The following is an entry in ClinVar:

ClinVar aggregate classification (germline): Uncertain significance. Review status: criteria provided, multiple submitters, no conflicts (2 of 4 stars). 2 submissions from 2 submitters: Uncertain significance (2). Last evaluated 2022-05-04.

Conditions:
Hereditary cancer-predisposing syndrome. Also called: Hereditary Cancer Syndrome; Neoplastic Syndromes, Hereditary; Hereditary neoplastic syndrome; Tumor predisposition. Identifiers: Orphanet 140162, MedGen C0027672, MeSH D009386, MONDO:0015356.
Multiple endocrine neoplasia, type 1 (MEN1). Also called: MEN I; WERMER SYNDROME; Endocrine adenomatosis multiple; MEN 1; MEA I. Identifiers: Orphanet 652, MedGen C0025267, MeSH D018761, MONDO:0007540, OMIM 131100.

Submissions (2):

Labcorp Genetics (formerly Invitae), Labcorp
Classification: Uncertain significance for Multiple endocrine neoplasia, type 1. Last evaluated: 2022-05-04. Review status: criteria provided, single submitter. Criteria: Invitae Variant Classification Sherloc (09022015). Collection method: clinical testing. Allele origin: germline.
Comment: In summary, the available evidence is currently insufficient to determine the role of this variant in disease. Therefore, it has been classified as a Variant of Uncertain Significance. Advanced modeling of protein sequence and biophysical properties (such as structural, functional, and spatial information, amino acid conservation, physicochemical variation, residue mobility, and thermodynamic stability) performed at Invitae indicates that this missense variant is expected to disrupt MEN1 protein function. ClinVar contains an entry for this variant (Variation ID: 822840). This variant has not been reported in the literature in individuals affected with MEN1-related conditions. This variant is not present in population databases (gnomAD no frequency). This sequence change replaces leucine, which is neutral and non-polar, with valine, which is neutral and non-polar, at codon 299 of the MEN1 protein (p.Leu299Val).

Ambry Genetics
Classification: Uncertain significance for Hereditary cancer-predisposing syndrome. Last evaluated: 2019-05-29. Review status: criteria provided, single submitter. Criteria: Ambry Variant Classification Scheme 2023. Collection method: clinical testing. Allele origin: germline.
Comment: The p.L299V variant (also known as c.895C>G), located in coding exon 5 of the MEN1 gene, results from a C to G substitution at nucleotide position 895. The leucine at codon 299 is replaced by valine, an amino acid with highly similar properties. This amino acid position is well conserved in available vertebrate species. In addition, the in silico prediction for this alteration is inconclusive. Since supporting evidence is limited at this time, the clinical significance of this alteration remains unclear.

NM_001370259.2(MEN1):c.895C>G (p.Leu299Val)

Gene: MEN1 (menin 1; minus strand). Cytogenetic location: 11q13.1.
Variant type: single nucleotide variant.
Coding change: c.895C>G on transcript NM_001370259.2 (MANE Select); coding-DNA position 895, C replaced by G.
Protein change: p.Leu299Val; replaces leucine 299 with valine.
Molecular consequence: missense variant.
Genome position (GRCh38, 1-based): chr11:64,807,028, G>C on the plus strand (C>G on the coding strand, the complement: MEN1 is on the minus strand). VCF-style: chr11-64807028-G-C. GRCh37 (hg19) VCF-style: chr11-64574500-G-C.
Other names: c.910C>G, p.Leu304Val (NM_000244.4, NM_130800.3, NM_130801.3 and 3 more transcripts); c.895C>G, p.Leu299Val (NM_001370251.2, NM_001370260.2, NM_001370261.2 and 1 more transcripts); c.790C>G, p.Leu264Val (NM_001370262.2, NM_001370263.2); short protein forms L299V, L304V, L264V.
Identifiers: ClinVar variation 822840 (VCV000822840.10), dbSNP rs1592646339, ClinGen allele CA381183514.
Genomic context (GRCh38, chr11:64,807,028, plus strand): 5'-ACTGTTAGGGTCTCCCTTCTGCACCCTCCTTAGATGCCCCCACCTTGTGGTAGAGGGTGA[G>C]TGGGTCTGGCCGGCCAGGGGTGGGCTCCAGCTCCTCTAGATCTGCCAGGTTCCCTAAGGC-3'
Protein context (NP_001357188.2, residues 289-309): LEPTPGRPDP[Leu299Val]TLYHKGIASA